The following is an entry in ClinVar:

ClinVar aggregate classification (germline): Likely pathogenic. Review status: reviewed by expert panel (3 of 4 stars). 4 submissions from 4 submitters: Likely pathogenic (1). 3 of the submissions do not count toward it. Last evaluated 2024-09-11.

Conditions:
Hereditary hemorrhagic telangiectasia (HHT). Also called: Osler hemorrhagic telangiectasia syndrome; ORW DISEASE; Osler Weber Rendu syndrome; OSLER-RENDU-WEBER DISEASE. Identifiers: Orphanet 774, MedGen C0039445, MONDO:0019180. Disease mechanism: loss of function.
Telangiectasia, hereditary hemorrhagic, type 1 (HHT1). Also called: Osler Weber Rendu syndrome type 1; ENG-Related Hereditary Hemorrhagic Telangiectasia. Identifiers: Orphanet 774, MedGen C4551861, MONDO:0008535, OMIM 187300. Disease mechanism: loss of function.

Submissions (4):

ClinGen Hereditary Hemorrhagic Telangiectasia Variant Curation Expert Panel, ClinGen
Classification: Likely pathogenic for Telangiectasia, hereditary hemorrhagic, type 1. Last evaluated: 2024-09-11. Review status: reviewed by expert panel. Criteria: ClinGen HHT ACMG Specifications ENG V1.1.0. Collection method: curation. Allele origin: germline. Inheritance: Autosomal dominant inheritance.
Comment: The NM_001114753.3: c.1645T>G variant in ENG is a missense variant predicted to cause substitution of cysteine by glycine at amino acid 549 (p.Cys549Gly). This variant has been reported in 3 probands with a phenotype consistent with Hereditary Hemorrhagic Telangiectasia (PS4_Moderate, Internal lab contributors, Invitae, Victorian Clinical Genetics Service). This variant is absent from gnomAD v.2.1.1 (PM2_Supporting). The computational predictor REVEL gives a score of 0.861 which is above the threshold of 0.644, evidence that correlates with impact to ENG function (PP3). Another missense variant c.1646G>A, p.Cys549Tyr (PMIDs: 38828001, 20414677, 21158752; ClinVar Variation ID: 407135) in the same codon has been classified as pathogenic for Hereditary Hemorrhagic Telangiectasia by the ClinGen Hereditary Hemorrhagic Telangiectasia Variant Curation Expert Panel (PM5). This variant resides within a region, amino acid C549, of ENG that is defined as a mutational hotspot or critical functional domain by the ClinGen Hereditary Hemorrhagic Telangiectasia Variant Curation Expert Panel (PMIDs: 28564608, 25312062) (PM1). In summary, this variant meets the criteria to be classified as likely pathogenic for autosomal dominant hereditary hemorrhagic telangiectasia based on the ACMG/AMP criteria applied, as specified by the ClinGen Hereditary Hemorrhagic Telangiectasia Variant Curation Expert Panel: PS4_Moderate, PM2_Supporting, PP3, PM5, PM1 (specifications version 1.1.0; 09/11/2024).

Victorian Clinical Genetics Services, Murdoch Childrens Research Institute
Classification: Likely pathogenic for Telangiectasia, hereditary hemorrhagic, type 1. Last evaluated: 2024-09-19. Review status: criteria provided, single submitter. Criteria: ACMG Guidelines, 2015. Collection method: clinical testing. Allele origin: germline. Inheritance: Autosomal dominant inheritance. Affected: yes. Not counted in ClinVar's aggregate classification.
Comment: Based on the classification scheme VCGS_Germline_v1.3.4, this variant is classified as Likely pathogenic. Following criteria are met: 0103 - Dominant negative and loss of function are known mechanisms of disease in this gene and are associated with type 1 hereditary haemorrhagic telangiectasia (MIM#187300). Pathogenic missense variants have been demonstrated to have dominant negative and loss of function effects while premature termination variants are associated with a loss of function mechanism (PMIDs: 2508034, 25312062). (I) 0107 - This gene is associated with autosomal dominant disease. (I) 0200 - Variant is predicted to result in a missense amino acid change from cysteine to glycine. (I) 0251 - This variant is heterozygous. (I) 0301 - Variant is absent from gnomAD (both v2 and v3). (SP) 0501 - Missense variant consistently predicted to be damaging by multiple in silico tools or highly conserved with a major amino acid change. (SP) 0600 - Variant is located in the annotated Zona pellucida domain and is part of a disulphide bond (DECIPHER, PMID: 22347366). (I) 0702 - Other missense variants comparable to the one identified in this case have strong previous evidence for pathogenicity. Two alternative changes, p.(Cys549Ser) and p.(Cys549Tyr), have been identified in more than four individuals with ENG-related features (ClinVar, PMIDs: 20414677, 21158752, 35346192). (SP) 0803 - This variant has limited previous evidence of pathogenicity in an unrelated individual. This variant has been reported as likely pathogenic in ClinVar. (SP) 0905 - No published segregation evidence has been identified for this variant. (I) 1007 - No published functional evidence has been identified for this variant. (I) 1102 - Strong phenotype match for this individual. (SP) 1208 - Inheritance information for this variant is not currently available in this individual. (I) Legend: (SP) - Supporting pathogenic, (I) - Information, (SB) - Supporting benign

ARUP Laboratories, Molecular Genetics and Genomics, ARUP Laboratories
Classification: Likely pathogenic for Telangiectasia, hereditary hemorrhagic, type 1. Last evaluated: 2024-06-25. Review status: criteria provided, single submitter. Criteria: ARUP Molecular Germline Variant Investigation Process 2024. Collection method: clinical testing. Allele origin: germline. Not counted in ClinVar's aggregate classification.
Comment: The ENG c.1645T>G; p.Cys549Gly variant, to our knowledge, is not reported in the medical literature but is reported in ClinVar (Variation ID: 995686). This variant is absent from the Genome Aggregation Database (v2.1.1), indicating it is not a common polymorphism. Computational analyses predict that this variant is deleterious (REVEL: 0.861). Additionally, two different variants at this codon (Cys549Arg, Cys549Tyr) have been identified by our laboratory in multiple individuals affected with HHT and are considered to be pathogenic, giving further support of the importance of this residue. Based on available information, the p.Cys549Gly variant is considered to be likely pathogenic.

Labcorp Genetics (formerly Invitae), Labcorp
Classification: Pathogenic for Hereditary hemorrhagic telangiectasia. Last evaluated: 2023-05-02. Review status: criteria provided, single submitter. Criteria: Invitae Variant Classification Sherloc (09022015). Collection method: clinical testing. Allele origin: germline. Not counted in ClinVar's aggregate classification.
Comment: This variant disrupts the p.Cys549 amino acid residue in ENG. Other variant(s) that disrupt this residue have been determined to be pathogenic (PMID: 20414677, 21158752; Invitae). This suggests that this residue is clinically significant, and that variants that disrupt this residue are likely to be disease-causing. Advanced modeling of protein sequence and biophysical properties (such as structural, functional, and spatial information, amino acid conservation, physicochemical variation, residue mobility, and thermodynamic stability) performed at Invitae indicates that this missense variant is expected to disrupt ENG protein function. ClinVar contains an entry for this variant (Variation ID: 995686). This missense change has been observed in individual(s) with hereditary hemorrhagic telangiectasia (Invitae). This variant is not present in population databases (gnomAD no frequency). This sequence change replaces cysteine, which is neutral and slightly polar, with glycine, which is neutral and non-polar, at codon 549 of the ENG protein (p.Cys549Gly). For these reasons, this variant has been classified as Pathogenic.

Literature cited by the submitters: PubMed 20414677 (cited by Victorian Clinical Genetics Services, Murdoch Childrens Research Institute and Labcorp Genetics (formerly Invitae), Labcorp); PubMed 21158752 (cited by Victorian Clinical Genetics Services, Murdoch Childrens Research Institute and Labcorp Genetics (formerly Invitae), Labcorp); PubMed 22347366 (cited by Victorian Clinical Genetics Services, Murdoch Childrens Research Institute); PubMed 25080347 (cited by Victorian Clinical Genetics Services, Murdoch Childrens Research Institute); PubMed 25312062 (cited by Victorian Clinical Genetics Services, Murdoch Childrens Research Institute); PubMed 35346192 (cited by Victorian Clinical Genetics Services, Murdoch Childrens Research Institute).

NM_001114753.3(ENG):c.1645T>G (p.Cys549Gly)

Genes: ENG (endoglin; minus strand), LOC102723566 (uncharacterized LOC102723566; plus strand). Cytogenetic location: 9q34.11.
Variant type: single nucleotide variant.
Coding change: c.1645T>G on transcript NM_001114753.3 (MANE Select); coding-DNA position 1645, T replaced by G.
Protein change: p.Cys549Gly; replaces cysteine 549 with glycine.
Molecular consequence: missense variant.
Genome position (GRCh38, 1-based): chr9:127,818,161, A>C on the plus strand (T>G on the coding strand, the complement: ENG is on the minus strand). VCF-style: chr9-127818161-A-C. GRCh37 (hg19) VCF-style: chr9-130580440-A-C.
Other names: NM_001114753.3(ENG):c.1645T>G; p.Cys549Gly; c.1645T>G, p.Cys549Gly (NM_000118.4); c.1099T>G, p.Cys367Gly (NM_001278138.2); short protein forms C367G, C549G.
Identifiers: ClinVar variation 995686 (VCV000995686.16), dbSNP rs1830376644, ClinGen allele CA374974153.